The following is an entry in ClinVar:

ClinVar aggregate classification (germline): Benign. Review status: criteria provided, multiple submitters, no conflicts (2 of 4 stars). 3 submissions from 3 submitters: Benign (3). Last evaluated 2026-01-29.

Conditions:
Immunodeficiency 104. Also called: SCID, AUTOSOMAL RECESSIVE, T CELL-NEGATIVE, B CELL-POSITIVE, NK CELL-POSITIVE; Severe Combined Immune Deficiency, Autosomal Recessive, TCell -Negative, B Cell-Positive, NK Cell-Positive, IL7R-Related; Severe combined immunodeficiency, autosomal recessive, T cell-negative, B cell-positive, NK cell-positive; IMMUNODEFICIENCY 104, SEVERE COMBINED. Identifiers: MedGen C5676890, MONDO:0012163, OMIM 608971.

Allele frequency attached by ClinVar (database versions not stated): gnomAD 0.00035; ESP Exome Variant Server 0.00054; TOPMed 0.00054; gnomAD exomes 0.00216; ExAC 0.00457; 1000 Genomes Project 30x 0.00890; 1000 Genomes Project 0.00899.
gnomAD v4.1: 3,382 of 1,613,122 alleles (0.21%); highest among the groups gnomAD compares: South Asian, 2.9%; 69 homozygotes.

Submissions (3):

Labcorp Genetics (formerly Invitae), Labcorp
Classification: Benign for Immunodeficiency 104. Last evaluated: 2026-01-29. Review status: criteria provided, single submitter. Criteria: Invitae Variant Classification Sherloc (09022015). Collection method: clinical testing. Allele origin: germline.

Illumina Laboratory Services, Illumina
Classification: Benign for Immunodeficiency 104. Last evaluated: 2018-01-13. Review status: criteria provided, single submitter. Criteria: ICSL Variant Classification Criteria 13 December 2019. Collection method: clinical testing. Allele origin: germline.
Comment: This variant was observed in the ICSL laboratory as part of a predisposition screen in an ostensibly healthy population. It had not been previously curated by ICSL or reported in the Human Gene Mutation Database (HGMD: prior to June 1st, 2018), and was therefore a candidate for classification through an automated scoring system. Utilizing variant allele frequency, disease prevalence and penetrance estimates, and inheritance mode, an automated score was calculated to assess if this variant is too frequent to cause the disease. Based on the score and internal cut-off values, a variant classified as benign is not then subjected to further curation. The score for this variant resulted in a classification of benign for this disease.

Breakthrough Genomics
Classification: Benign. Review status: criteria provided, single submitter. Criteria: ACMG Guidelines, 2015. Collection method: not provided. Allele origin: germline. Inheritance: Autosomal recessive inheritance. Affected: yes.

NM_002185.5(IL7R):c.153G>A (p.Ser51=)

Gene: IL7R (interleukin 7 receptor; plus strand). Cytogenetic location: 5p13.2.
Variant type: single nucleotide variant.
Coding change: c.153G>A on transcript NM_002185.5 (MANE Select); coding-DNA position 153, G replaced by A.
Protein change: p.Ser51=; no amino-acid change (serine 51 retained).
Molecular consequence: synonymous variant. On other transcripts: non-coding transcript variant (1).
Genome position (GRCh38, 1-based): chr5:35,860,922, G>A. VCF-style: chr5-35860922-G-A. GRCh37 (hg19) VCF-style: chr5-35861024-G-A.
Identifiers: ClinVar variation 353261 (VCV000353261.20), dbSNP rs149235072, ClinGen allele CA3231853.